The following is an entry in ClinVar:

ClinVar aggregate classification (germline): Uncertain significance (1 of 4 stars; one submission).

Conditions:
Glycogen storage disease XV (GSD15). Also called: GLYCOGENIN DEFICIENCY; GSD XV. Identifiers: Orphanet 263297, MedGen C3150754, MONDO:0013291, OMIM 613507.
Polyglucosan body myopathy type 2. Identifiers: Orphanet 456369, MedGen C4015452, MONDO:0014526, OMIM 616199.

Allele frequency attached by ClinVar (database versions not stated): TOPMed below 0.00001; ExAC 0.00001; gnomAD 0.00001; gnomAD exomes 0.00001.

Submission:

Labcorp Genetics (formerly Invitae), Labcorp
Classification: Uncertain significance for Polyglucosan body myopathy type 2; Glycogen storage disease XV. Last evaluated: 2024-02-23. Review status: criteria provided, single submitter. Criteria: Invitae Variant Classification Sherloc (09022015). Collection method: clinical testing. Allele origin: germline.
Comment: This sequence change replaces threonine, which is neutral and polar, with asparagine, which is neutral and polar, at codon 347 of the GYG1 protein (p.Thr347Asn). The frequency data for this variant in the population databases is considered unreliable, as metrics indicate poor data quality at this position in the gnomAD database. This variant has not been reported in the literature in individuals affected with GYG1-related conditions. ClinVar contains an entry for this variant (Variation ID: 1398681). An algorithm developed to predict the effect of missense changes on protein structure and function (PolyPhen-2) suggests that this variant¬¨‚Ä†is likely to be tolerated. In summary, the available evidence is currently insufficient to determine the role of this variant in disease. Therefore, it has been classified as a Variant of Uncertain Significance.

NM_004130.4(GYG1):c.1040C>A (p.Thr347Asn)

Gene: GYG1 (glycogenin 1; plus strand). Cytogenetic location: 3q24.
Variant type: single nucleotide variant.
Coding change: c.1040C>A on transcript NM_004130.4 (MANE Select); coding-DNA position 1040, C replaced by A.
Protein change: p.Thr347Asn; replaces threonine 347 with asparagine.
Molecular consequence: missense variant.
Genome position (GRCh38, 1-based): chr3:149,026,920, C>A. VCF-style: chr3-149026920-C-A. GRCh37 (hg19) VCF-style: chr3-148744707-C-A.
Other names: c.989C>A, p.Thr330Asn (NM_001184720.2); c.769C>A, p.Leu257Ile (NM_001184721.2); short protein forms T347N, T330N, L257I.
Identifiers: ClinVar variation 1398681 (VCV001398681.5), dbSNP rs533834445, ClinGen allele CA2658740.
Genomic context (GRCh38, chr3:149,026,920, plus strand): 5'-AGGGCCAGGCTGATTATATGGGAGCAGATTCCTTTGACAACATCAAGAGGAAACTTGACA[C>A]TTACCTCCAGTAGAAACACTGCATTTTTCTGTGAACACATCCACTTCACAAGCCTTGTTT-3'
Protein context (NP_004121.2, residues 337-350): SFDNIKRKLD[Thr347Asn]YLQ